The following is an entry in ClinVar:

ClinVar aggregate classification (germline): Conflicting classifications of pathogenicity. Review status: criteria provided, conflicting classifications (1 of 4 stars). 3 submissions from 3 submitters: Likely pathogenic (2); Uncertain significance (1). Last evaluated 2024-11-22.

Conditions:
SRD5A3-related disorder. Also called: SRD5A3-related condition; SRD5A3-Related Disorders.
SRD5A3-congenital disorder of glycosylation. Also called: Congenital disorder of glycosylation type 1Q; CDG Iq; Ocular colobomas, ichthyosis, brain malformations and endocrine abnormalities; COLOBOMA, OCULAR, WITH ICHTHYOSIS, BRAIN MALFORMATIONS, AND ENDOCRINE ABNORMALITIES; SRD5A3-CDG. Identifiers: Orphanet 324737, MedGen C4317224, MONDO:0012885, OMIM 612379.

Allele frequency attached by ClinVar (database versions not stated): gnomAD exomes 0.00001; ExAC 0.00002; gnomAD 0.00004; TOPMed 0.00004.
gnomAD v4.1: 27 of 1,614,034 alleles (0.0017%); highest among the groups gnomAD compares: African/African-American, 0.0027%; no homozygotes.

Submissions (3):

Blueprint Genetics
Classification: Likely pathogenic for SRD5A3-related disorders. Last evaluated: 2024-11-22. Review status: criteria provided, single submitter. Criteria: ACMG Guidelines, 2015. Collection method: clinical testing. Allele origin: germline. Affected: yes. Observed: 5 variant alleles.

GeneDx
Classification: Likely pathogenic. Last evaluated: 2022-01-24. Review status: criteria provided, single submitter. Criteria: GeneDx Variant Classification Process June 2021. Collection method: clinical testing. Allele origin: germline. Affected: yes.
Comment: Not observed at significant frequency in large population cohorts (gnomAD); In silico analysis supports that this missense variant has a deleterious effect on protein structure/function; This variant is associated with the following publications: (PMID: 31589614, 31638560)

Labcorp Genetics (formerly Invitae), Labcorp
Classification: Uncertain significance for SRD5A3-congenital disorder of glycosylation. Last evaluated: 2021-12-02. Review status: criteria provided, single submitter. Criteria: Invitae Variant Classification Sherloc (09022015). Collection method: clinical testing. Allele origin: germline.
Comment: Algorithms developed to predict the effect of missense changes on protein structure and function (SIFT, PolyPhen-2, Align-GVGD) all suggest that this variant is likely to be disruptive. In summary, the available evidence is currently insufficient to determine the role of this variant in disease. Therefore, it has been classified as a Variant of Uncertain Significance. ClinVar contains an entry for this variant (Variation ID: 424422). This missense change has been observed in individual(s) with congenital disorder of glycosylation type 1q (PMID: 31638560). This variant is present in population databases (rs772795484, gnomAD 0.004%). This sequence change replaces glutamic acid, which is acidic and polar, with lysine, which is basic and polar, at codon 146 of the SRD5A3 protein (p.Glu146Lys).

Literature cited by the submitters: PubMed 31638560 (cited by Labcorp Genetics (formerly Invitae), Labcorp).

NM_024592.5(SRD5A3):c.436G>A (p.Glu146Lys)

Gene: SRD5A3 (steroid 5 alpha-reductase 3; plus strand). Cytogenetic location: 4q12.
Variant type: single nucleotide variant.
Coding change: c.436G>A on transcript NM_024592.5 (MANE Select); coding-DNA position 436, G replaced by A.
Protein change: p.Glu146Lys; replaces glutamic acid 146 with lysine.
Molecular consequence: missense variant.
Genome position (GRCh38, 1-based): chr4:55,364,145, G>A. VCF-style: chr4-55364145-G-A. GRCh37 (hg19) VCF-style: chr4-56230312-G-A.
Other names: short protein forms E146K.
Identifiers: ClinVar variation 424422 (VCV000424422.10), dbSNP rs772795484, ClinGen allele CA2925293.